The following is an entry in ClinVar:

NM_003816.3(ADAM9):c.982G>A (p.Gly328Ser)

Gene: ADAM9 (ADAM metallopeptidase domain 9; plus strand). Cytogenetic location: 8p11.22.
Variant type: single nucleotide variant.
Coding change: c.982G>A on transcript NM_003816.3 (MANE Select); coding-DNA position 982, G replaced by A.
Protein change: p.Gly328Ser; replaces glycine 328 with serine.
Molecular consequence: missense variant. On other transcripts: non-coding transcript variant (3).
Genome position (GRCh38, 1-based): chr8:39,025,870, G>A. VCF-style: chr8-39025870-G-A. GRCh37 (hg19) VCF-style: chr8-38883389-G-A.
Other names: c.982G>A (NM_003816.2); short protein forms G328S.
Identifiers: ClinVar variation 1388825 (VCV001388825.7), dbSNP rs769109947, ClinGen allele CA4721491.

ClinVar aggregate classification (germline): Uncertain significance. Review status: criteria provided, multiple submitters, no conflicts (2 of 4 stars). 2 submissions from 2 submitters: Uncertain significance (2). Last evaluated 2025-04-10.

Conditions:
Inborn genetic diseases. Identifiers: MedGen C0950123, MeSH D030342.

Allele frequency attached by ClinVar (database versions not stated): ExAC 0.00001; gnomAD exomes 0.00001; TOPMed 0.00001.
gnomAD v4.1: 18 of 1,614,136 alleles (0.0011%); highest among the groups gnomAD compares: Non-Finnish European, 0.0014%; no homozygotes.

Submissions (2):

Ambry Genetics
Classification: Uncertain significance for Inborn genetic diseases. Last evaluated: 2025-04-10. Review status: criteria provided, single submitter. Criteria: Ambry Variant Classification Scheme 2023. Collection method: clinical testing. Allele origin: germline.

Labcorp Genetics (formerly Invitae), Labcorp
Classification: Uncertain significance. Last evaluated: 2023-08-17. Review status: criteria provided, single submitter. Criteria: Invitae Variant Classification Sherloc (09022015). Collection method: clinical testing. Allele origin: germline.
Comment: This sequence change replaces glycine, which is neutral and non-polar, with serine, which is neutral and polar, at codon 328 of the ADAM9 protein (p.Gly328Ser). This variant is present in population databases (rs769109947, gnomAD 0.007%). This variant has not been reported in the literature in individuals affected with ADAM9-related conditions. ClinVar contains an entry for this variant (Variation ID: 1388825). Advanced modeling of protein sequence and biophysical properties (such as structural, functional, and spatial information, amino acid conservation, physicochemical variation, residue mobility, and thermodynamic stability) performed at Invitae indicates that this missense variant is not expected to disrupt ADAM9 protein function. In summary, the available evidence is currently insufficient to determine the role of this variant in disease. Therefore, it has been classified as a Variant of Uncertain Significance.